The following is an entry in ClinVar:

ClinVar aggregate classification (germline): Pathogenic. Review status: reviewed by expert panel (3 of 4 stars). 3 submissions from 3 submitters: Pathogenic (1). 2 of the submissions do not count toward it. Last evaluated 2025-12-05.

Conditions:
ABCA4-related retinopathy. Also called: ABCA4 retinoapthy; ABCA4-related retinoapthy. Identifiers: MedGen CN322612, MONDO:0800406.
ABCA4-related disorder. Also called: ABCA4-related condition; ABCA4-related disorders. Identifiers: MedGen CN239167.

Submissions (3):

ClinGen ABCA4 Variant Curation Expert Panel, Clingen
Classification: Pathogenic for ABCA4-related retinopathy. Last evaluated: 2025-12-05. Review status: reviewed by expert panel. Criteria: ClinGen ABCA4 ACMG Specifications V1.0.0. Collection method: curation. Allele origin: germline. Inheritance: Autosomal recessive inheritance.
Comment: The NM_000350.3(ABCA4):c.5584G>C (p.Gly1862Arg) variant in ABCA4 is a missense variant predicted to cause substitution of glycine by arginine at amino acid 1862 (p. Gly1862Arg). RT-PCR of minigenes demonstrated that this variant impacts splicing by causing a deletion (r.5461_5714del) which is predicted to result in a frameshift (p.Thr1821Aspfs*6). This variant showed 0% correctly spliced ABCA4 mRNA. This frameshift variant introduces a premature stop codon between codons 1-2255 (PVS1_RNA; PMID: 29162642). This variant is absent from gnomAD v4.1.0 (PM2_Supporting). The prevalence of the variant in affected individuals is significantly increased compared with the prevalence in controls with an OR at infinity and the CI is 2.24-infinity, which is above the ABCA4 VCEP threshold of ≥5, where the CI does not contain 1 (PS4; PMID: 35120629). In summary, this variant meets the criteria to be classified as pathogenic for ABCA4-related retinopathy based on the ACMG/AMP criteria applied, as specified by the ClinGen ABCA4 VCEP (Specification Version 1.0): PVS1, PS4, PM2_Supporting.

Blueprint Genetics
Classification: Pathogenic for ABCA4-related disorders. Last evaluated: 2023-01-03. Review status: criteria provided, single submitter. Criteria: ACMG Guidelines, 2015. Collection method: clinical testing. Allele origin: germline. Affected: yes. Observed: 3 variant alleles. Not counted in ClinVar's aggregate classification.

GeneDx
Classification: Pathogenic. Last evaluated: 2019-09-25. Review status: criteria provided, single submitter. Criteria: GeneDx Variant Classification Process June 2021. Collection method: clinical testing. Allele origin: germline. Affected: yes. Not counted in ClinVar's aggregate classification.
Comment: Published functional studies show c.5584G>C results in c.5461_5714del and is predicted to cause a frameshift (Sangermano et al., 2018); Non-canonical splice variants at the last nucleotide of the exon in a gene for which loss-of-function is a known mechanism of disease, and both in silico predictors and evolutionary conservation support a deleterious effect; Not observed in large population cohorts (Lek et al., 2016); This variant is associated with the following publications: (PMID: 25356976, 29162642)

NM_000350.3(ABCA4):c.5584G>C (p.Gly1862Arg)

Gene: ABCA4 (ATP binding cassette subfamily A member 4; minus strand). Cytogenetic location: 1p22.1.
Variant type: single nucleotide variant.
Coding change: c.5584G>C on transcript NM_000350.3 (MANE Select); coding-DNA position 5584, G replaced by C.
Protein change: p.Gly1862Arg; replaces glycine 1862 with arginine.
Molecular consequence: missense variant.
Genome position (GRCh38, 1-based): chr1:94,011,262, C>G on the plus strand (G>C on the coding strand, the complement: ABCA4 is on the minus strand). VCF-style: chr1-94011262-C-G. GRCh37 (hg19) VCF-style: chr1-94476818-C-G.
Other names: NM_000350.3(ABCA4):c.5584G>C; p.Gly1862Arg; c.5362G>C, p.Gly1788Arg (NM_001425324.1); short protein forms G1862R, G1788R.
Identifiers: ClinVar variation 1196428 (VCV001196428.3), dbSNP rs1659538637, ClinGen allele CA341280969.